The following is an entry in ClinVar:

NM_004972.4(JAK2):c.1288A>G (p.Lys430Glu)

Genes: INSL6 (insulin like 6; minus strand), JAK2 (Janus kinase 2; plus strand). Cytogenetic location: 9p24.1.
Variant type: single nucleotide variant.
Coding change: c.1288A>G on transcript NM_004972.4 (MANE Select); coding-DNA position 1288, A replaced by G.
Protein change: p.Lys430Glu; replaces lysine 430 with glutamic acid.
Molecular consequence: missense variant. On other transcripts: non-coding transcript variant (2).
Genome position (GRCh38, 1-based): chr9:5,066,751, A>G. VCF-style: chr9-5066751-A-G. GRCh37 (hg19) VCF-style: chr9-5066751-A-G.
Other names: c.1288A>G, p.Lys430Glu (NM_001322194.2, NM_001322195.2, NM_001322196.2); c.73A>G, p.Lys25Glu (NM_001322198.2, NM_001322199.2); c.841A>G, p.Lys281Glu (NM_001322204.2); short protein forms K281E, K25E, K430E.
Identifiers: ClinVar variation 4991004 (VCV004991004.1).

ClinVar aggregate classification (germline): Uncertain significance (1 of 4 stars; one submission).

Conditions:
JAK2-related disorder. Also called: JAK2-related condition.

gnomAD v4.1: 1 of 1,578,534 alleles (0.000063%); highest among the groups gnomAD compares: African/African-American, 0.0014%; no homozygotes.

Submission:

PreventionGenetics, part of Exact Sciences
Classification: Uncertain significance for JAK2-related condition. Last evaluated: 2026-09-11. Review status: criteria provided, single submitter. Criteria: ACMG Guidelines, 2015. Collection method: clinical testing. Allele origin: germline.
Comment: The JAK2 c.1288A>G variant is predicted to result in the amino acid substitution p.Lys430Glu. To our knowledge, this variant has not been reported in the literature or in a large population database (gnomAD), indicating this variant is rare. At this time, the clinical significance of this variant is uncertain due to the absence of conclusive functional and genetic evidence.